The following is an entry in ClinVar:

ClinVar aggregate classification (germline): Conflicting classifications of pathogenicity. Review status: no assertion criteria provided (0 of 4 stars). 2 submissions from 2 submitters: Uncertain significance (1); Likely benign (1). Last evaluated 2016-12-27.

Conditions:
Usher syndrome type 1F (USH1F). Also called: USHER SYNDROME, TYPE IF. Identifiers: Orphanet 231169, Orphanet 886, MedGen C1865885, MONDO:0011186, OMIM 602083.

Allele frequency attached by ClinVar (database versions not stated): TOPMed 0.00003.
gnomAD v4.1: 51 of 1,302,838 alleles (0.0039%); highest among the groups gnomAD compares: East Asian, 0.025%; no homozygotes.

Submissions (2):

Counsyl
Classification: Likely benign for Usher syndrome type 1F. Last evaluated: 2016-12-27. Review status: no assertion criteria provided. Collection method: clinical testing. Allele origin: unknown.

Department of Pathology and Laboratory Medicine, Sinai Health System
Classification: Uncertain significance. Review status: no assertion criteria provided. Collection method: clinical testing. Allele origin: unknown. Affected: yes. Study: The Canadian Open Genetics Repository (COGR).
Comment: The variant was identified in dbSNP (ID:rs776152870 ) and ClinVar (classified as likely benign by Counsyl). The c.4156-2G>A variant is predicted to cause abnormal splicing because the nucleotide substitution occurs in the invariant region of the splice consensus sequence.

NM_001384140.1(PCDH15):c.4368-3205G>A

Gene: PCDH15 (protocadherin related 15; minus strand). Cytogenetic location: 10q21.1.
Variant type: single nucleotide variant.
Coding change: c.4368-3205G>A on transcript NM_001384140.1 (MANE Select); 3205 bases into the intron before coding-DNA position 4368, G replaced by A.
Molecular consequence: intron variant.
Genome position (GRCh38, 1-based): chr10:53,823,435, C>T on the plus strand (G>A on the coding strand, the complement: PCDH15 is on the minus strand). VCF-style: chr10-53823435-C-T. GRCh37 (hg19) VCF-style: chr10-55583195-C-T.
Other names: c.4373+1701G>A (NM_001142770.3, NM_001142772.2); c.4388+3958G>A (NM_001354411.2); c.4409+1701G>A (NM_001142769.3); c.4302-77G>A (NM_001354404.2); c.4299-77G>A (NM_001142773.2); c.4308-77G>A (NM_001142768.2); c.4248-77G>A (NM_001142767.2); c.4161-77G>A (NM_001142765.2); and 6 more.
Identifiers: ClinVar variation 550269 (VCV000550269.3), dbSNP rs776152870, ClinGen allele CA5505309.
Genomic context (GRCh38, chr10:53,823,435, plus strand): 5'-ATAATGAAATGTAAGGAAACAAGTTGTGACACAGCTTTCATGAGAAAGATGTTTTTATGG[C>T]TCTCATTACTATTAAATACTTAAAAACATCAAAGGCCAAACAACACTAACCTACTAAAGC-3'